The following is an entry in ClinVar:

NM_004360.5(CDH1):c.252_253del (p.Val85fs)

Gene: CDH1 (cadherin 1; plus strand). Cytogenetic location: 16q22.1.
Variant type: Deletion.
Coding change: c.252_253del on transcript NM_004360.5 (MANE Select); coding-DNA positions 252 to 253, 2 bases deleted (AG; older notation c.252_253delAG).
Protein change: p.Val85fs; shifts the reading frame from valine 85.
Molecular consequence: frameshift variant. On other transcripts: 5 prime UTR variant (2).
Genome position (GRCh38, 1-based): chr16:68,801,758-68,801,759, AG deleted. VCF-style (leftmost placement, unchanged base first): chr16-68801757-CAG-C. GRCh37 (hg19) VCF-style: chr16-68835660-CAG-C.
Other names: c.252_253del, p.Val85fs (NM_001317184.2); c.-1364_-1363del (NM_001317185.2); c.-1568_-1567del (NM_001317186.2); short protein forms V85fs.
Identifiers: ClinVar variation 5033869 (VCV005033869.1).

ClinVar aggregate classification (germline): Pathogenic (1 of 4 stars; one submission).

Conditions:
Hereditary cancer-predisposing syndrome. Also called: Neoplastic Syndromes, Hereditary; Tumor predisposition; Hereditary neoplastic syndrome; Hereditary Cancer Syndrome. Identifiers: Orphanet 140162, MedGen C0027672, MeSH D009386, MONDO:0015356.

Submission:

Ambry Genetics
Classification: Pathogenic for Hereditary cancer-predisposing syndrome. Last evaluated: 2026-06-16. Review status: criteria provided, single submitter. Criteria: Ambry Variant Classification Scheme 2023. Collection method: clinical testing. Allele origin: germline.
Comment: The c.252_253delAG pathogenic mutation, located in coding exon 3 of the CDH1 gene, results from a deletion of two nucleotides at nucleotide positions 252 to 253, causing a translational frameshift with a predicted alternate stop codon (p.V85Qfs*8). This variant is considered to be rare based on population cohorts in the Genome Aggregation Database (gnomAD). This alteration is expected to result in loss of function by premature protein truncation or nonsense-mediated mRNA decay. As such, this alteration is interpreted as a disease-causing mutation.